The following is an entry in ClinVar:

ClinVar aggregate classification (germline): Likely benign. Review status: reviewed by expert panel (3 of 4 stars). 9 submissions from 9 submitters: Likely benign (1). 8 of the submissions do not count toward it. Last evaluated 2017-06-29.

Conditions:
BRCA2-related disorder. Also called: BRCA2-related condition; BRCA2-related disorders. Identifiers: MedGen CN239275.
Hereditary cancer-predisposing syndrome. Also called: Hereditary Cancer Syndrome; Neoplastic Syndromes, Hereditary; Hereditary neoplastic syndrome; Tumor predisposition. Identifiers: Orphanet 140162, MedGen C0027672, MeSH D009386, MONDO:0015356.
Hereditary breast ovarian cancer syndrome. Also called: Hereditary breast and ovarian cancer syndrome; Breast and ovarian cancer; BRCA1- and BRCA2-Associated Hereditary Breast and Ovarian Cancer; Hereditary breast and/or ovarian cancer syndrome; Hereditary breast and ovarian cancer; Hereditary breast and ovarian cancer syndrome (HBOC). Identifiers: Orphanet 145, MedGen C0677776, MeSH D061325, MONDO:0003582. Disease mechanism: loss of function.
Breast-ovarian cancer, familial, susceptibility to, 2 (BROVCA2). Also called: BRCA2 Hereditary Breast and Ovarian Cancer. Identifiers: Orphanet 145, MedGen C2675520, MONDO:0012933, OMIM 612555. Disease mechanism: loss of function.

Submissions (9):

Evidence-based Network for the Interpretation of Germline Mutant Alleles (ENIGMA)
Classification: Likely benign for Breast-ovarian cancer, familial, susceptibility to, 2. Last evaluated: 2017-06-29. Review status: reviewed by expert panel. Criteria: ENIGMA BRCA1/2 Classification Criteria (2017-06-29). Collection method: curation. Allele origin: germline.
Comment: Synonymous substitution variant, with low bioinformatic likelihood to result in a splicing aberration (Splicing prior probability 0.02).

PreventionGenetics, part of Exact Sciences
Classification: Likely benign for BRCA2-related condition. Last evaluated: 2026-03-19. Review status: criteria provided, single submitter. Criteria: ACMG Guidelines, 2015. Collection method: clinical testing. Allele origin: germline. Not counted in ClinVar's aggregate classification.
Comment: This variant is classified as likely benign based on ACMG/AMP sequence variant interpretation guidelines (Richards et al. 2015 PMID: 25741868, with internal and published modifications).

Labcorp Genetics (formerly Invitae), Labcorp
Classification: Likely benign for Hereditary breast ovarian cancer syndrome. Last evaluated: 2025-06-25. Review status: criteria provided, single submitter. Criteria: Invitae Variant Classification Sherloc (09022015). Collection method: clinical testing. Allele origin: germline. Not counted in ClinVar's aggregate classification.

Quest Diagnostics Nichols Institute San Juan Capistrano
Classification: Likely benign. Last evaluated: 2023-01-02. Review status: criteria provided, single submitter. Criteria: Quest Diagnostics criteria. Collection method: clinical testing. Allele origin: unknown. Not counted in ClinVar's aggregate classification.

Sema4
Classification: Likely benign for Hereditary cancer-predisposing syndrome. Last evaluated: 2021-05-10. Review status: criteria provided, single submitter. Criteria: Sema4 Curation Guidelines. Collection method: curation. Allele origin: germline. Not counted in ClinVar's aggregate classification.

Color Diagnostics, LLC DBA Color Health
Classification: Likely benign for Hereditary cancer-predisposing syndrome. Last evaluated: 2018-11-28. Review status: criteria provided, single submitter. Criteria: ACMG Guidelines, 2015. Collection method: clinical testing. Allele origin: germline. Not counted in ClinVar's aggregate classification.

GeneDx
Classification: Likely benign. Last evaluated: 2017-08-09. Review status: criteria provided, single submitter. Criteria: GeneDx Variant Classification (06012015). Collection method: clinical testing. Allele origin: germline. Affected: yes. Not counted in ClinVar's aggregate classification.
Comment: This variant is considered likely benign or benign based on one or more of the following criteria: it is a conservative change, it occurs at a poorly conserved position in the protein, it is predicted to be benign by multiple in silico algorithms, and/or has population frequency not consistent with disease.

Ambry Genetics
Classification: Likely benign for Hereditary cancer-predisposing syndrome. Last evaluated: 2015-08-27. Review status: criteria provided, single submitter. Criteria: Ambry Variant Classification Scheme 2023. Collection method: clinical testing. Allele origin: germline. Not counted in ClinVar's aggregate classification.

Breast Cancer Information Core (BIC) (BRCA2)
Classification: Uncertain significance for Breast-ovarian cancer, familial 2. Last evaluated: 2007-01-18. Review status: no assertion criteria provided. Collection method: clinical testing. Allele origin: germline. Affected: yes. Observed: 1 variant allele. Not counted in ClinVar's aggregate classification.

Literature cited by the submitters: PubMed 21673748 (cited by Ambry Genetics); PubMed 22505045 (cited by Ambry Genetics); PubMed 22962691 (cited by Ambry Genetics); PubMed 28339459 (cited by Ambry Genetics).

NM_000059.4(BRCA2):c.7992T>C (p.Ile2664=)

Gene: BRCA2 (BRCA2 DNA repair associated; plus strand). Cytogenetic location: 13q13.1.
Variant type: single nucleotide variant.
Coding change: c.7992T>C on transcript NM_000059.4 (MANE Select); coding-DNA position 7992, T replaced by C.
Protein change: p.Ile2664=; no amino-acid change (isoleucine 2664 retained).
Molecular consequence: synonymous variant.
Genome position (GRCh38, 1-based): chr13:32,363,194, T>C. VCF-style: chr13-32363194-T-C. GRCh37 (hg19) VCF-style: chr13-32937331-T-C.
Other names: I2664I.
Identifiers: ClinVar variation 52464 (VCV000052464.21), dbSNP rs80359800, ClinGen allele CA025388.
Genomic context (GRCh38, chr13:32,363,194, plus strand): 5'-TAGAGTCACACTTCCTAAAATATGCATTTTTGTTTTCACTTTTAGATATGATACGGAAAT[T>C]GATAGAAGCAGAAGATCGGCTATAAAAAAGATAATGGAAAGGGATGACACAGCTGCAAAA-3'
Protein context (NP_000050.3, residues 2654-2674): LQLKYRYDTE[Ile2664=]DRSRRSAIKK